The following is an entry in ClinVar:

NM_018089.3(ANKZF1):c.1700G>A (p.Arg567Gln)

Gene: ANKZF1 (ankyrin repeat and zinc finger peptidyl tRNA hydrolase 1; plus strand). Cytogenetic location: 2q35.
Variant type: single nucleotide variant.
Coding change: c.1700G>A on transcript NM_018089.3 (MANE Select); coding-DNA position 1700, G replaced by A.
Protein change: p.Arg567Gln; replaces arginine 567 with glutamine.
Molecular consequence: missense variant.
Genome position (GRCh38, 1-based): chr2:219,235,482, G>A. VCF-style: chr2-219235482-G-A. GRCh37 (hg19) VCF-style: chr2-220100204-G-A.
Other names: c.1700G>A, p.Arg567Gln (NM_001042410.2); c.1070G>A, p.Arg357Gln (NM_001282792.2); short protein forms R357Q, R567Q.
Identifiers: ClinVar variation 1389350 (VCV001389350.6), dbSNP rs758764452, ClinGen allele CA2121140.
Genomic context (GRCh38, chr2:219,235,482, plus strand): 5'-TTGGGAAAGGCAGGAGGCAAGTTAAACCCATTTTTGGAGTTTTTGCACCTAGGGACTCTC[G>A]GGCCCGGCCACCTTATACTGTTGCGGCTGACAAATCAACACGTAATGAGTTCCGAAGGTT-3'
Protein context (NP_060559.2, residues 557-577): AGADPTVQDS[Arg567Gln]ARPPYTVAAD

ClinVar aggregate classification (germline): Uncertain significance (1 of 4 stars; one submission).

Allele frequency attached by ClinVar (database versions not stated): gnomAD exomes 0.00001; ExAC 0.00002; gnomAD 0.00003; TOPMed 0.00003.
gnomAD v4.1: 23 of 1,613,780 alleles (0.0014%); highest among the groups gnomAD compares: African/African-American, 0.0053%; no homozygotes.

Submission:

Labcorp Genetics (formerly Invitae), Labcorp
Classification: Uncertain significance. Last evaluated: 2025-04-17. Review status: criteria provided, single submitter. Criteria: Invitae Variant Classification Sherloc (09022015). Collection method: clinical testing. Allele origin: germline.
Comment: This sequence change replaces arginine, which is basic and polar, with glutamine, which is neutral and polar, at codon 567 of the ANKZF1 protein (p.Arg567Gln). This variant is present in population databases (rs758764452, gnomAD 0.005%). This variant has not been reported in the literature in individuals affected with ANKZF1-related conditions. ClinVar contains an entry for this variant (Variation ID: 1389350). An algorithm developed to predict the effect of missense changes on protein structure and function outputs the following: PolyPhen-2: "Benign". The glutamine amino acid residue is found in multiple mammalian species, which suggests that this missense change does not adversely affect protein function. In summary, the available evidence is currently insufficient to determine the role of this variant in disease. Therefore, it has been classified as a Variant of Uncertain Significance.